The following is an entry in ClinVar:

ClinVar aggregate classification (germline): Conflicting classifications of pathogenicity. Review status: criteria provided, conflicting classifications (1 of 4 stars). 2 submissions from 2 submitters: Uncertain significance (1); Likely benign (1). Last evaluated 2026-06-01.

Conditions:
Inborn genetic diseases. Identifiers: MedGen C0950123, MeSH D030342.

Allele frequency attached by ClinVar (database versions not stated): ExAC 0.00001; TOPMed 0.00001; gnomAD exomes 0.00004.
gnomAD v4.1: 64 of 1,612,660 alleles (0.004%); highest among the groups gnomAD compares: Non-Finnish European, 0.0053%; no homozygotes.

Submissions (2):

CeGaT Center for Human Genetics Tuebingen
Classification: Likely benign. Last evaluated: 2026-06-01. Review status: criteria provided, single submitter. Criteria: CeGaT Center For Human Genetics Tuebingen Variant Classification Criteria Version 2. Collection method: clinical testing. Allele origin: germline. Affected: yes. Observed: 1 variant allele.
Comment: CERT1: BP4

Ambry Genetics
Classification: Uncertain significance for Inborn genetic diseases. Last evaluated: 2022-08-16. Review status: criteria provided, single submitter. Criteria: Ambry Variant Classification Scheme 2023. Collection method: clinical testing. Allele origin: germline.

NM_001379029.1(CERT1):c.1120C>T (p.Arg374Cys)

Gene: CERT1 (ceramide transporter 1; minus strand). Cytogenetic location: 5q13.3.
Variant type: single nucleotide variant.
Coding change: c.1120C>T on transcript NM_001379029.1 (MANE Select); coding-DNA position 1120, C replaced by T.
Protein change: p.Arg374Cys; replaces arginine 374 with cysteine.
Molecular consequence: missense variant. On other transcripts: intron variant (3).
Genome position (GRCh38, 1-based): chr5:75,399,378, G>A on the plus strand (C>T on the coding strand, the complement: CERT1 is on the minus strand). VCF-style: chr5-75399378-G-A. GRCh37 (hg19) VCF-style: chr5-74695203-G-A.
Other names: c.1504C>T, p.Arg502Cys (NM_001130105.1); c.1120C>T, p.Arg374Cys (NM_001379002.1, NM_005713.3); c.1110+827C>T (NM_001379003.1, NM_031361.3, NM_001379004.1); short protein forms R502C, R374C.
Identifiers: ClinVar variation 3143195 (VCV003143195.3), dbSNP rs267600691, ClinGen allele CA3309102.